The following is an entry in ClinVar:

NM_018127.7(ELAC2):c.1481T>C (p.Met494Thr)

Gene: ELAC2 (elaC ribonuclease Z 2; minus strand). Cytogenetic location: 17p12.
Variant type: single nucleotide variant.
Coding change: c.1481T>C on transcript NM_018127.7 (MANE Select); coding-DNA position 1481, T replaced by C.
Protein change: p.Met494Thr; replaces methionine 494 with threonine.
Molecular consequence: missense variant.
Genome position (GRCh38, 1-based): chr17:12,998,451, A>G on the plus strand (T>C on the coding strand, the complement: ELAC2 is on the minus strand). VCF-style: chr17-12998451-A-G. GRCh37 (hg19) VCF-style: chr17-12901768-A-G.
Other names: c.1361T>C, p.Met454Thr (NM_001165962.2); c.1478T>C, p.Met493Thr (NM_173717.2); c.1481T>C (NM_018127.6); short protein forms M454T, M493T, M494T.
Identifiers: ClinVar variation 2048444 (VCV002048444.2), dbSNP rs1259290478, ClinGen allele CA398224678.

ClinVar aggregate classification (germline): Uncertain significance. Review status: criteria provided, multiple submitters, no conflicts (2 of 4 stars). 2 submissions from 2 submitters: Uncertain significance (2). Last evaluated 2025-11-11.

Conditions:
Inborn genetic diseases. Identifiers: MedGen C0950123, MeSH D030342.
Combined oxidative phosphorylation defect type 17. Also called: Combined oxidative phosphorylation deficiency 17. Identifiers: Orphanet 369913, MedGen C3809526, MONDO:0014190, OMIM 615440.

Allele frequency attached by ClinVar (database versions not stated): gnomAD exomes below 0.00001; TOPMed below 0.00001.
gnomAD v4.1: 5 of 1,614,216 alleles (0.00031%); highest among the groups gnomAD compares: South Asian, 0.0022%; no homozygotes.

Submissions (2):

Ambry Genetics
Classification: Uncertain significance for Inborn genetic diseases. Last evaluated: 2025-11-11. Review status: criteria provided, single submitter. Criteria: Ambry Variant Classification Scheme 2023. Collection method: clinical testing. Allele origin: germline.

Labcorp Genetics (formerly Invitae), Labcorp
Classification: Uncertain significance for Combined oxidative phosphorylation defect type 17. Last evaluated: 2022-07-14. Review status: criteria provided, single submitter. Criteria: Invitae Variant Classification Sherloc (09022015). Collection method: clinical testing. Allele origin: germline.
Comment: This sequence change replaces methionine, which is neutral and non-polar, with threonine, which is neutral and polar, at codon 494 of the ELAC2 protein (p.Met494Thr). This variant is not present in population databases (gnomAD no frequency). This variant has not been reported in the literature in individuals affected with ELAC2-related conditions. Algorithms developed to predict the effect of missense changes on protein structure and function are either unavailable or do not agree on the potential impact of this missense change (SIFT: "Tolerated"; PolyPhen-2: "Possibly Damaging"; Align-GVGD: "Class C0"). In summary, the available evidence is currently insufficient to determine the role of this variant in disease. Therefore, it has been classified as a Variant of Uncertain Significance.